The following is an entry in ClinVar:

NM_022552.5(DNMT3A):c.2100A>T (p.Pro700=)

Gene: DNMT3A (DNA methyltransferase 3 alpha; minus strand). Cytogenetic location: 2p23.3.
Variant type: single nucleotide variant.
Coding change: c.2100A>T on transcript NM_022552.5 (MANE Select); coding-DNA position 2100, A replaced by T.
Protein change: p.Pro700=; no amino-acid change (proline 700 retained).
Molecular consequence: synonymous variant. On other transcripts: non-coding transcript variant (1).
Genome position (GRCh38, 1-based): chr2:25,240,713, T>A on the plus strand (A>T on the coding strand, the complement: DNMT3A is on the minus strand). VCF-style: chr2-25240713-T-A. GRCh37 (hg19) VCF-style: chr2-25463582-T-A.
Other names: c.1644A>T, p.Pro548= (NM_001320893.1); c.1431A>T, p.Pro477= (NM_001375819.1); c.1533A>T, p.Pro511= (NM_153759.3); c.2100A>T, p.Pro700= (NM_175629.2); c.2100A>T (NM_022552.3).
Identifiers: ClinVar variation 3354187 (VCV003354187.2).
Genomic context (GRCh38, chr2:25,240,713, plus strand): 5'-GCGAGCAGGGTTGACGATGGAGAGGTCATTGCAGGGACTGCCCCCAATCACCAGATCGAA[T>A]GGGCCCCACTCCTGGATCTGGGAGGATAAAGGCAACGTGATGGGCCTGCTGTCCAGGGAC-3'
Protein context (NP_072046.2, residues 690-710): VTQKHIQEWG[Pro700=]FDLVIGGSPC

ClinVar aggregate classification (germline): Likely benign. Review status: criteria provided, single submitter (1 of 4 stars). 2 submissions from 2 submitters: Likely benign (1). 1 of the submissions does not count toward it. Last evaluated 2024-12-17.

Conditions:
DNMT3A-related disorder. Also called: DNMT3A-related condition; DNMT3A-related disorders.
Inborn genetic diseases. Identifiers: MedGen C0950123, MeSH D030342.

Submissions (2):

Ambry Genetics
Classification: Likely benign for Inborn genetic diseases. Last evaluated: 2024-12-17. Review status: criteria provided, single submitter. Criteria: Ambry Variant Classification Scheme 2023. Collection method: clinical testing. Allele origin: germline.

PreventionGenetics, part of Exact Sciences
Classification: Likely benign for DNMT3A-related condition. Last evaluated: 2023-01-27. Review status: no assertion criteria provided. Collection method: clinical testing. Allele origin: germline. Not counted in ClinVar's aggregate classification.
Comment: This variant is classified as likely benign based on ACMG/AMP sequence variant interpretation guidelines (Richards et al. 2015 PMID: 25741868, with internal and published modifications).